The following is an entry in ClinVar:

ClinVar aggregate classification (germline): Uncertain significance (1 of 4 stars; one submission).

Submission:

GeneDx
Classification: Uncertain significance. Last evaluated: 2025-02-05. Review status: criteria provided, single submitter. Criteria: GeneDx Variant Classification Process June 2021. Collection method: clinical testing. Allele origin: germline. Affected: yes.
Comment: Not observed at significant frequency in large population cohorts (gnomAD); In silico analysis indicates that this missense variant does not alter protein structure/function; Has not been previously published as pathogenic or benign to our knowledge

NM_018896.5(CACNA1G):c.6065A>C (p.Gln2022Pro)

Gene: CACNA1G (calcium voltage-gated channel subunit alpha1 G; plus strand). Cytogenetic location: 17q21.33.
Variant type: single nucleotide variant.
Coding change: c.6065A>C on transcript NM_018896.5 (MANE Select); coding-DNA position 6065, A replaced by C.
Protein change: p.Gln2022Pro; replaces glutamine 2022 with proline.
Molecular consequence: missense variant. On other transcripts: non-coding transcript variant (5).
Genome position (GRCh38, 1-based): chr17:50,623,911, A>C. VCF-style: chr17-50623911-A-C. GRCh37 (hg19) VCF-style: chr17-48701272-A-C.
Other names: c.5876A>C, p.Gln1959Pro (NM_001256324.2); c.5807A>C, p.Gln1936Pro (NM_001256325.2); c.5795A>C, p.Gln1932Pro (NM_001256326.2); c.5765A>C, p.Gln1922Pro (NM_001256327.2); c.5711A>C, p.Gln1904Pro (NM_001256328.2); c.5684A>C, p.Gln1895Pro (NM_001256329.2, NM_198387.3, NM_198376.3); c.5651A>C, p.Gln1884Pro (NM_001256330.2); c.5630A>C, p.Gln1877Pro (NM_001256331.2); and 15 more; short protein forms Q1872P, Q1877P, Q1884P, Q1888P, Q1891P, Q1893P, Q1895P, Q1902P.
Identifiers: ClinVar variation 4074571 (VCV004074571.1).